The following is an entry in ClinVar:

NM_001378615.1(CC2D2A):c.1946C>G (p.Thr649Arg)

Genes: CC2D2A (coiled-coil and C2 domain containing 2A; plus strand), FBXL5 (F-box and leucine rich repeat protein 5; minus strand). Cytogenetic location: 4p15.32.
Variant type: single nucleotide variant.
Coding change: c.1946C>G on transcript NM_001378615.1 (MANE Select); coding-DNA position 1946, C replaced by G.
Protein change: p.Thr649Arg; replaces threonine 649 with arginine.
Molecular consequence: missense variant.
Genome position (GRCh38, 1-based): chr4:15,538,080, C>G. VCF-style: chr4-15538080-C-G. GRCh37 (hg19) VCF-style: chr4-15539703-C-G.
Other names: c.1946C>G, p.Thr649Arg (NM_001080522.2); c.1799C>G, p.Thr600Arg (NM_001378617.1); short protein forms T649R, T600R.
Identifiers: ClinVar variation 347761 (VCV000347761.16), dbSNP rs201884883, ClinGen allele CA2863797.

ClinVar aggregate classification (germline): Conflicting classifications of pathogenicity. Review status: criteria provided, conflicting classifications (1 of 4 stars). 5 submissions from 4 submitters: Uncertain significance (4); Likely benign (1). Last evaluated 2026-06-23.

Conditions:
Inborn genetic diseases. Identifiers: MedGen C0950123, MeSH D030342.
CC2D2A-related disorder. Also called: CC2D2A-related disorders; CC2D2A-related condition. Identifiers: MedGen CN239313.
Meckel-Gruber syndrome. Also called: Dysencephalia splachnocystica; DYSENCEPHALIA SPLANCHNOCYSTICA; GRUBER SYNDROME. Identifiers: Orphanet 564, MedGen C0265215, MONDO:0018921.
Joubert syndrome. Also called: JOUBERT-BOLTSHAUSER SYNDROME; Familial aplasia of the vermis. Identifiers: Orphanet 475, MedGen C5979921, MONDO:0018772.
Meckel syndrome, type 6. Identifiers: Orphanet 564, MedGen C2676790, MONDO:0012848, OMIM 612284.
Joubert syndrome 9 (JBTS9). Identifiers: Orphanet 2318, MedGen C2676788, MONDO:0012849, OMIM 612285.

Allele frequency attached by ClinVar (database versions not stated): TOPMed 0.00010; ESP Exome Variant Server 0.00015.
gnomAD v4.1: 55 of 1,605,692 alleles (0.0034%); highest among the groups gnomAD compares: East Asian, 0.013%; no homozygotes.

Submissions (5):

PreventionGenetics, part of Exact Sciences
Classification: Uncertain significance for CC2D2A-related condition. Last evaluated: 2026-06-23. Review status: criteria provided, single submitter. Criteria: ACMG Guidelines, 2015. Collection method: clinical testing. Allele origin: germline.
Comment: The CC2D2A c.1946C>G variant is predicted to result in the amino acid substitution p.Thr649Arg. To our knowledge, this variant has not been reported in the literature. This variant is reported in 0.043% of alleles in individuals of East Asian descent in gnomAD. At this time, the clinical significance of this variant is uncertain due to the absence of conclusive functional and genetic evidence.

Labcorp Genetics (formerly Invitae), Labcorp
Classification: Likely benign for Joubert syndrome; Meckel-Gruber syndrome. Last evaluated: 2026-01-20. Review status: criteria provided, single submitter. Criteria: Invitae Variant Classification Sherloc (09022015). Collection method: clinical testing. Allele origin: germline.

Ambry Genetics
Classification: Uncertain significance for Inborn genetic diseases. Last evaluated: 2024-12-03. Review status: criteria provided, single submitter. Criteria: Ambry Variant Classification Scheme 2023. Collection method: clinical testing. Allele origin: germline.

Illumina Laboratory Services, Illumina
Classification: Uncertain significance for Joubert syndrome 9. Last evaluated: 2018-01-12. Review status: criteria provided, single submitter. Criteria: ICSL Variant Classification Criteria 13 December 2019. Collection method: clinical testing. Allele origin: germline.

Illumina Laboratory Services, Illumina
Classification: Uncertain significance for Meckel syndrome, type 6. Last evaluated: 2018-01-12. Review status: criteria provided, single submitter. Criteria: ICSL Variant Classification Criteria 13 December 2019. Collection method: clinical testing. Allele origin: germline.